The following is an entry in ClinVar:

ClinVar aggregate classification (germline): Pathogenic/Likely pathogenic. Review status: criteria provided, multiple submitters, no conflicts (2 of 4 stars). 3 submissions from 3 submitters: Pathogenic (1); Likely pathogenic (1). 1 of the submissions does not count toward it. Last evaluated 2024-01-04.

Conditions:
NPHS1-related disorder. Also called: NPHS1-related condition.
Finnish congenital nephrotic syndrome (NPHS1). Also called: NEPHROTIC SYNDROME, TYPE 1. Identifiers: Orphanet 839, MedGen C0403399, MONDO:0009732, OMIM 256300.

Allele frequency attached by ClinVar (database versions not stated): gnomAD below 0.00001 and 0.00001; ExAC 0.00002.
gnomAD v4.1: 11 of 1,613,760 alleles (0.00068%); highest among the groups gnomAD compares: South Asian, 0.0044%; no homozygotes.

Submissions (3):

Labcorp Genetics (formerly Invitae), Labcorp
Classification: Pathogenic. Last evaluated: 2024-01-04. Review status: criteria provided, single submitter. Criteria: Invitae Variant Classification Sherloc (09022015). Collection method: clinical testing. Allele origin: germline.
Comment: This sequence change replaces arginine, which is basic and polar, with tryptophan, which is neutral and slightly polar, at codon 379 of the NPHS1 protein (p.Arg379Trp). This variant is present in population databases (rs386833871, gnomAD 0.006%). This missense change has been observed in individuals with congenital nephrotic syndrome (PMID: 15338398, 19321760, 31456999, 31788464). ClinVar contains an entry for this variant (Variation ID: 56427). Advanced modeling of protein sequence and biophysical properties (such as structural, functional, and spatial information, amino acid conservation, physicochemical variation, residue mobility, and thermodynamic stability) performed at Invitae indicates that this missense variant is expected to disrupt NPHS1 protein function with a positive predictive value of 80%. Experimental studies have shown that this missense change affects NPHS1 function (PMID: 24142548). For these reasons, this variant has been classified as Pathogenic.

Blueprint Genetics
Classification: Likely pathogenic for NPHS1-related disorders. Last evaluated: 2023-05-04. Review status: criteria provided, single submitter. Criteria: ACMG Guidelines, 2015. Collection method: clinical testing. Allele origin: germline. Affected: yes. Observed: 2 variant alleles.

Juha Muilu Group; Institute for Molecular Medicine Finland (FIMM)
Classification: Likely pathogenic for Finnish congenital nephrotic syndrome. Review status: no assertion criteria provided. Collection method: not provided. Allele origin: unknown. Not counted in ClinVar's aggregate classification.
Comment: FinDis database variant: FinDis database variant: This variant was not found or characterized by our laboratory, data were collected from public sources: see reference
ClinVar note: Converted during submission from probable-pathogenic to Likely pathogenic.

Literature cited by the submitters: PubMed 15338398 (cited by Labcorp Genetics (formerly Invitae), Labcorp); PubMed 19321760 (cited by Labcorp Genetics (formerly Invitae), Labcorp); PubMed 31456999 (cited by Labcorp Genetics (formerly Invitae), Labcorp); PubMed 31788464 (cited by Labcorp Genetics (formerly Invitae), Labcorp); PubMed 24142548 (cited by Labcorp Genetics (formerly Invitae), Labcorp).

NM_004646.4(NPHS1):c.1135C>T (p.Arg379Trp)

Gene: NPHS1 (NPHS1 adhesion molecule, nephrin; minus strand). Cytogenetic location: 19q13.12.
Variant type: single nucleotide variant.
Coding change: c.1135C>T on transcript NM_004646.4 (MANE Select); coding-DNA position 1135, C replaced by T.
Protein change: p.Arg379Trp; replaces arginine 379 with tryptophan.
Molecular consequence: missense variant.
Genome position (GRCh38, 1-based): chr19:35,848,672, G>A on the plus strand (C>T on the coding strand, the complement: NPHS1 is on the minus strand). VCF-style: chr19-35848672-G-A. GRCh37 (hg19) VCF-style: chr19-36339574-G-A.
Other names: short protein forms R379W.
Identifiers: ClinVar variation 56427 (VCV000056427.9), dbSNP rs386833871, ClinGen allele CA250101.